The following is an entry in ClinVar:

ClinVar aggregate classification (germline): Likely benign (1 of 4 stars; one submission).

Conditions:
Retinitis pigmentosa (RP). Identifiers: Orphanet 791, MedGen C0035334, MeSH D012174, MONDO:0019200, OMIM 268000. Inheritance: Autosomal dominant, autosomal recessive and X linked inheritance.

Allele frequency attached by ClinVar (database versions not stated): gnomAD below 0.00001 and 0.00025; TOPMed 0.00003; 1000 Genomes Project 30x 0.00187; 1000 Genomes Project 0.00200.
gnomAD v4.1: 512 of 1,224,686 alleles (0.042%); highest among the groups gnomAD compares: South Asian, 0.64%; 11 homozygotes.

Submission:

Illumina Laboratory Services, Illumina
Classification: Likely benign for Retinitis pigmentosa. Last evaluated: 2018-01-12. Review status: criteria provided, single submitter. Criteria: ICSL Variant Classification Criteria 13 December 2019. Collection method: clinical testing. Allele origin: germline.
Comment: This variant was observed in the ICSL laboratory as part of a predisposition screen in an ostensibly healthy population. It had not been previously curated by ICSL or reported in the Human Gene Mutation Database (HGMD: prior to June 1st, 2018), and was therefore a candidate for classification through an automated scoring system. Utilizing variant allele frequency, disease prevalence and penetrance estimates, and inheritance mode, an automated score was calculated to assess if this variant is too frequent to cause the disease. Based on the score and internal cut-off values, a variant classified as likely benign is not then subjected to further curation. The score for this variant resulted in a classification of likely benign for this disease.

NM_015629.4(PRPF31):c.*151C>A

Gene: PRPF31 (pre-mRNA processing factor 31; plus strand). Cytogenetic location: 19q13.42.
Variant type: single nucleotide variant.
Coding change: c.*151C>A on transcript NM_015629.4 (MANE Select); 151 bases downstream of the stop codon, C replaced by A.
Molecular consequence: 3 prime UTR variant.
Genome position (GRCh38, 1-based): chr19:54,131,583, C>A. VCF-style: chr19-54131583-C-A. GRCh37 (hg19) VCF-style: chr19-54635014-C-A.
Identifiers: ClinVar variation 892706 (VCV000892706.4), dbSNP rs587650588, ClinGen allele CA309332489.
Genomic context (GRCh38, chr19:54,131,583, plus strand): 5'-ACCTGCCCTGCCACTGGCCCCATTGCTGGGACTGCCCAGGGAGGAGGCCTTGGAAGAGTC[C>A]GGCCTGGCCTCCCCCAGGACCGAGATCACCGCCCAGTATGGGCTAGAGCAGGTCTTCATC-3'